The following is an entry in ClinVar:

NM_004006.3(DMD):c.5041A>G (p.Met1681Val)

Gene: DMD (dystrophin; minus strand). Cytogenetic location: Xp21.1.
Variant type: single nucleotide variant.
Coding change: c.5041A>G on transcript NM_004006.3 (MANE Select); coding-DNA position 5041, A replaced by G.
Protein change: p.Met1681Val; replaces methionine 1681 with valine.
Molecular consequence: missense variant.
Genome position (GRCh38, 1-based): chrX:32,364,695, T>C on the plus strand (A>G on the coding strand, the complement: DMD is on the minus strand). VCF-style: chrX-32364695-T-C. GRCh37 (hg19) VCF-style: chrX-32382812-T-C.
Other names: c.5017A>G, p.Met1673Val (NM_000109.4); c.5029A>G, p.Met1677Val (NM_004009.3); c.4672A>G, p.Met1558Val (NM_004010.3); c.1018A>G, p.Met340Val (NM_004011.4); c.1009A>G, p.Met337Val (NM_004012.4); short protein forms M340V, M1673V, M1677V, M1681V, M1558V, M337V.
Identifiers: ClinVar variation 1967118 (VCV001967118.3), dbSNP rs2522553565, ClinGen allele CA412671667.

ClinVar aggregate classification (germline): Uncertain significance (1 of 4 stars; one submission).

Conditions:
Duchenne muscular dystrophy (DMD). Also called: MUSCULAR DYSTROPHY, PSEUDOHYPERTROPHIC PROGRESSIVE, DUCHENNE TYPE; Duchenne Muscular Dystrophy (DMD). Identifiers: Orphanet 98896, MedGen C0013264, MONDO:0010679, OMIM 310200.

Submission:

Labcorp Genetics (formerly Invitae), Labcorp
Classification: Uncertain significance for Duchenne muscular dystrophy. Last evaluated: 2022-06-21. Review status: criteria provided, single submitter. Criteria: Invitae Variant Classification Sherloc (09022015). Collection method: clinical testing. Allele origin: germline.
Comment: In summary, the available evidence is currently insufficient to determine the role of this variant in disease. Therefore, it has been classified as a Variant of Uncertain Significance. Algorithms developed to predict the effect of missense changes on protein structure and function (SIFT, PolyPhen-2, Align-GVGD) all suggest that this variant is likely to be tolerated. This variant has not been reported in the literature in individuals affected with DMD-related conditions. This variant is not present in population databases (gnomAD no frequency). This sequence change replaces methionine, which is neutral and non-polar, with valine, which is neutral and non-polar, at codon 1681 of the DMD protein (p.Met1681Val).